The following is an entry in ClinVar:

ClinVar aggregate classification (germline): Uncertain significance (1 of 4 stars; one submission).

Conditions:
Metachromatic leukodystrophy (MLD). Also called: Arylsulfatase A Deficiency; SULFATIDE LIPIDOSIS; ARSA DEFICIENCY; CEREBROSIDE SULFATASE DEFICIENCY; METACHROMATIC LEUKOENCEPHALOPATHY; Cerebral sclerosis diffuse metachromatic form. Identifiers: Orphanet 512, MedGen C0023522, MONDO:0018868, OMIM 250100.

Allele frequency attached by ClinVar (database versions not stated): gnomAD exomes below 0.00001.

Submission:

Labcorp Genetics (formerly Invitae), Labcorp
Classification: Uncertain significance for Metachromatic leukodystrophy. Last evaluated: 2022-07-19. Review status: criteria provided, single submitter. Criteria: Invitae Variant Classification Sherloc (09022015). Collection method: clinical testing. Allele origin: germline.
Comment: This sequence change replaces serine, which is neutral and polar, with cysteine, which is neutral and slightly polar, at codon 74 of the ARSA protein (p.Ser74Cys). This variant is not present in population databases (gnomAD no frequency). This variant has not been reported in the literature in individuals affected with ARSA-related conditions. ClinVar contains an entry for this variant (Variation ID: 1506857). Algorithms developed to predict the effect of missense changes on protein structure and function are either unavailable or do not agree on the potential impact of this missense change (SIFT: "Tolerated"; PolyPhen-2: "Possibly Damaging"; Align-GVGD: "Class C0"). Algorithms developed to predict the effect of sequence changes on RNA splicing suggest that this variant may create or strengthen a splice site. In summary, the available evidence is currently insufficient to determine the role of this variant in disease. Therefore, it has been classified as a Variant of Uncertain Significance.

NM_000487.6(ARSA):c.221C>G (p.Ser74Cys)

Gene: ARSA (arylsulfatase A; minus strand). Cytogenetic location: 22q13.33.
Variant type: single nucleotide variant.
Coding change: c.221C>G on transcript NM_000487.6 (MANE Select); coding-DNA position 221, C replaced by G.
Protein change: p.Ser74Cys; replaces serine 74 with cysteine.
Molecular consequence: missense variant. On other transcripts: intron variant (2).
Genome position (GRCh38, 1-based): chr22:50,627,559, G>C on the plus strand (C>G on the coding strand, the complement: ARSA is on the minus strand). VCF-style: chr22-50627559-G-C. GRCh37 (hg19) VCF-style: chr22-51065987-G-C.
Other names: c.221C>G, p.Ser74Cys (NM_001085425.3, NM_001085426.3, NM_001085427.3); c.-34-153C>G (NM_001362782.2, NM_001085428.3); short protein forms S74C.
Identifiers: ClinVar variation 1506857 (VCV001506857.3), dbSNP rs2146727534, ClinGen allele CA412182098.